The following is an entry in ClinVar:

NM_004104.5(FASN):c.841G>A (p.Gly281Arg)

Gene: FASN (fatty acid synthase; minus strand). Cytogenetic location: 17q25.3.
Variant type: single nucleotide variant.
Coding change: c.841G>A on transcript NM_004104.5 (MANE Select); coding-DNA position 841, G replaced by A.
Protein change: p.Gly281Arg; replaces glycine 281 with arginine.
Molecular consequence: missense variant.
Genome position (GRCh38, 1-based): chr17:82,092,750, C>T on the plus strand (G>A on the coding strand, the complement: FASN is on the minus strand). VCF-style: chr17-82092750-C-T. GRCh37 (hg19) VCF-style: chr17-80050626-C-T.
Other names: short protein forms G281R.
Identifiers: ClinVar variation 462115 (VCV000462115.10), dbSNP rs748571162, ClinGen allele CA8853364.
Genomic context (GRCh38, chr17:82,092,750, plus strand): 5'-GCATCACCTTGGTGCCTGTGCCGTGGGCTTCGATGTATTCAAATGACTCAGGGGCCACTC[C>T]GGCCGACTGGTACAACGAGCGGATGAGCTGCTCCTGGATATCCCCTGAGGGGAAGGTCAC-3'
Protein context (NP_004095.4, residues 271-291): QLIRSLYQSA[Gly281Arg]VAPESFEYIE

ClinVar aggregate classification (germline): Uncertain significance (1 of 4 stars; one submission).

Conditions:
Epileptic encephalopathy. Identifiers: MedGen C0543888, HP:0200134.

Allele frequency attached by ClinVar (database versions not stated): gnomAD exomes 0.00007 and 0.00013; TOPMed 0.00009; gnomAD 0.00010; ExAC 0.00019.
gnomAD v4.1: 109 of 1,605,302 alleles (0.0068%); highest among the groups gnomAD compares: Admixed American, 0.018%; no homozygotes.

Submission:

Labcorp Genetics (formerly Invitae), Labcorp
Classification: Uncertain significance for Epileptic encephalopathy. Last evaluated: 2025-08-07. Review status: criteria provided, single submitter. Criteria: Invitae Variant Classification Sherloc (09022015). Collection method: clinical testing. Allele origin: germline.
Comment: This sequence change replaces glycine, which is neutral and non-polar, with arginine, which is basic and polar, at codon 281 of the FASN protein (p.Gly281Arg). This variant is present in population databases (rs748571162, gnomAD 0.03%). This variant has not been reported in the literature in individuals affected with FASN-related conditions. ClinVar contains an entry for this variant (Variation ID: 462115). An algorithm developed to predict the effect of missense changes on protein structure and function (PolyPhen-2) suggests that this variant is likely to be tolerated. In summary, the available evidence is currently insufficient to determine the role of this variant in disease. Therefore, it has been classified as a Variant of Uncertain Significance.